The following is an entry in ClinVar:

ClinVar aggregate classification (germline): Uncertain significance. Review status: criteria provided, multiple submitters, no conflicts (2 of 4 stars). 2 submissions from 2 submitters: Uncertain significance (2). Last evaluated 2025-02-19.

Conditions:
Inborn genetic diseases. Identifiers: MedGen C0950123, MeSH D030342.

Allele frequency attached by ClinVar (database versions not stated): gnomAD exomes below 0.00001; ExAC 0.00001; TOPMed 0.00002; gnomAD 0.00001.
gnomAD v4.1: 8 of 1,613,396 alleles (0.0005%); highest among the groups gnomAD compares: Middle Eastern, 0.016%; no homozygotes.

Submissions (2):

Labcorp Genetics (formerly Invitae), Labcorp
Classification: Uncertain significance. Last evaluated: 2025-02-19. Review status: criteria provided, single submitter. Criteria: Invitae Variant Classification Sherloc (09022015). Collection method: clinical testing. Allele origin: germline.
Comment: This sequence change replaces glutamic acid, which is acidic and polar, with valine, which is neutral and non-polar, at codon 168 of the CLCN7 protein (p.Glu168Val). This variant is present in population databases (rs756849986, gnomAD 0.0009%). This variant has not been reported in the literature in individuals affected with CLCN7-related conditions. ClinVar contains an entry for this variant (Variation ID: 1522024). An algorithm developed to predict the effect of missense changes on protein structure and function (PolyPhen-2) suggests that this variant is likely to be tolerated. In summary, the available evidence is currently insufficient to determine the role of this variant in disease. Therefore, it has been classified as a Variant of Uncertain Significance.

Ambry Genetics
Classification: Uncertain significance for Inborn genetic diseases. Last evaluated: 2025-02-13. Review status: criteria provided, single submitter. Criteria: Ambry Variant Classification Scheme 2023. Collection method: clinical testing. Allele origin: germline.

NM_001287.6(CLCN7):c.503A>T (p.Glu168Val)

Gene: CLCN7 (Cl-/H+ antiporter 7; minus strand). Cytogenetic location: 16p13.3.
Variant type: single nucleotide variant.
Coding change: c.503A>T on transcript NM_001287.6 (MANE Select); coding-DNA position 503, A replaced by T.
Protein change: p.Glu168Val; replaces glutamic acid 168 with valine.
Molecular consequence: missense variant.
Genome position (GRCh38, 1-based): chr16:1,460,509, T>A on the plus strand (A>T on the coding strand, the complement: CLCN7 is on the minus strand). VCF-style: chr16-1460509-T-A. GRCh37 (hg19) VCF-style: chr16-1510510-T-A.
Other names: c.431A>T, p.Glu144Val (NM_001114331.3); c.503A>T (NM_001287.4); short protein forms E168V, E144V.
Identifiers: ClinVar variation 1522024 (VCV001522024.8), dbSNP rs756849986, ClinGen allele CA7810746.